The following is an entry in ClinVar:

ClinVar aggregate classification (germline): Uncertain significance. Review status: criteria provided, multiple submitters, no conflicts (2 of 4 stars). 4 submissions from 4 submitters: Uncertain significance (4). Last evaluated 2025-05-29.

Conditions:
Inborn genetic diseases. Identifiers: MedGen C0950123, MeSH D030342.
Propionic acidemia (PROP). Also called: GLYCINEMIA, KETOTIC; HYPERGLYCINEMIA WITH KETOACIDOSIS AND LEUKOPENIA; KETOTIC HYPERGLYCINEMIA. Identifiers: Orphanet 35, MedGen C0268579, MONDO:0011628, OMIM 606054, HP:0003571.

Allele frequency attached by ClinVar (database versions not stated): ExAC 0.00001; gnomAD 0.00001; gnomAD exomes 0.00002 and 0.00003; TOPMed 0.00003; ESP Exome Variant Server 0.00008.

Submissions (4):

GeneDx
Classification: Uncertain significance. Last evaluated: 2025-05-29. Review status: criteria provided, single submitter. Criteria: GeneDx Variant Classification Process June 2021. Collection method: clinical testing. Allele origin: germline. Affected: yes.
Comment: Not observed at significant frequency in large population cohorts (gnomAD); In silico analysis suggests that this missense variant does not alter protein structure/function; Has not been previously published as pathogenic or benign to our knowledge

Labcorp Genetics (formerly Invitae), Labcorp
Classification: Uncertain significance for Propionic acidemia. Last evaluated: 2025-01-06. Review status: criteria provided, single submitter. Criteria: Invitae Variant Classification Sherloc (09022015). Collection method: clinical testing. Allele origin: germline.
Comment: This sequence change replaces isoleucine, which is neutral and non-polar, with valine, which is neutral and non-polar, at codon 460 of the PCCB protein (p.Ile460Val). This variant is present in population databases (rs376998134, gnomAD 0.005%). This variant has not been reported in the literature in individuals affected with PCCB-related conditions. ClinVar contains an entry for this variant (Variation ID: 1427380). Invitae Evidence Modeling of protein sequence and biophysical properties (such as structural, functional, and spatial information, amino acid conservation, physicochemical variation, residue mobility, and thermodynamic stability) indicates that this missense variant is not expected to disrupt PCCB protein function with a negative predictive value of 95%. In summary, the available evidence is currently insufficient to determine the role of this variant in disease. Therefore, it has been classified as a Variant of Uncertain Significance.

Ambry Genetics
Classification: Uncertain significance for Inborn genetic diseases. Last evaluated: 2024-06-26. Review status: criteria provided, single submitter. Criteria: Ambry Variant Classification Scheme 2023. Collection method: clinical testing. Allele origin: germline.

Fulgent Genetics
Classification: Uncertain significance for Propionic acidemia. Last evaluated: 2021-11-03. Review status: criteria provided, single submitter. Criteria: ACMG Guidelines, 2015. Collection method: clinical testing. Allele origin: unknown.

NM_000532.5(PCCB):c.1378A>G (p.Ile460Val)

Gene: PCCB (propionyl-CoA carboxylase subunit beta; plus strand). Cytogenetic location: 3q22.3.
Variant type: single nucleotide variant.
Coding change: c.1378A>G on transcript NM_000532.5 (MANE Select); coding-DNA position 1378, A replaced by G.
Protein change: p.Ile460Val; replaces isoleucine 460 with valine.
Molecular consequence: missense variant.
Genome position (GRCh38, 1-based): chr3:136,327,712, A>G. VCF-style: chr3-136327712-A-G. GRCh37 (hg19) VCF-style: chr3-136046554-A-G.
Other names: c.1378A>G (NM_000532.4); c.1438A>G, p.Ile480Val (NM_001178014.2); short protein forms I480V, I460V.
Identifiers: ClinVar variation 1427380 (VCV001427380.9), dbSNP rs376998134, ClinGen allele CA2632159.
Genomic context (GRCh38, chr3:136,327,712, plus strand): 5'-GATGTCATGAGCTCTAAGCACCTTTGTGGTGATACCAACTATGCCTGGCCCACCGCAGAG[A>G]TTGCAGTCATGGGAGCAAAGGTGAGGGCCTCTTGCTTTTCCCTTTCTGGGTCCAAGGACT-3'
Protein context (NP_000523.2, residues 450-470): DTNYAWPTAE[Ile460Val]AVMGAKGAVE